The following is an entry in ClinVar:

NM_002691.4(POLD1):c.49C>T (p.Arg17Trp)

Gene: POLD1 (DNA polymerase delta 1, catalytic subunit; plus strand). Cytogenetic location: 19q13.33.
Variant type: single nucleotide variant.
Coding change: c.49C>T on transcript NM_002691.4 (MANE Select); coding-DNA position 49, C replaced by T.
Protein change: p.Arg17Trp; replaces arginine 17 with tryptophan.
Molecular consequence: missense variant. On other transcripts: non-coding transcript variant (1).
Genome position (GRCh38, 1-based): chr19:50,398,900, C>T. VCF-style: chr19-50398900-C-T. GRCh37 (hg19) VCF-style: chr19-50902157-C-T.
Other names: c.49C>T, p.Arg17Trp (NM_001256849.1, NM_001308632.1); c.49C>T (NM_002691.2); short protein forms R17W.
Identifiers: ClinVar variation 408109 (VCV000408109.18), dbSNP rs570461545, ClinGen allele CA9595595.

ClinVar aggregate classification (germline): Conflicting classifications of pathogenicity. Review status: criteria provided, conflicting classifications (1 of 4 stars). 5 submissions from 5 submitters: Uncertain significance (4); Likely benign (1). Last evaluated 2026-01-17.

Conditions:
Hereditary cancer-predisposing syndrome. Also called: Neoplastic Syndromes, Hereditary; Hereditary neoplastic syndrome; Hereditary Cancer Syndrome; Tumor predisposition. Identifiers: Orphanet 140162, MedGen C0027672, MeSH D009386, MONDO:0015356.
POLD1-related polyposis and colorectal cancer syndrome (CRCS10). Also called: Colorectal cancer, susceptibility to, 10; Colorectal cancer 10; COLORECTAL CANCER, SUSCEPTIBILITY TO, ON CHROMOSOME 19q. Identifiers: Orphanet 220460, MedGen C2675481, MONDO:0012953, OMIM 612591.

Allele frequency attached by ClinVar (database versions not stated): gnomAD exomes 0.00001 and 0.00003; ExAC 0.00003; gnomAD 0.00004; TOPMed 0.00004; 1000 Genomes Project 30x 0.00016; 1000 Genomes Project 0.00020.
gnomAD v4.1: 25 of 1,602,884 alleles (0.0016%); highest among the groups gnomAD compares: African/African-American, 0.011%; no homozygotes.

Submissions (5):

Labcorp Genetics (formerly Invitae), Labcorp
Classification: Uncertain significance for POLD1-related polyposis and colorectal cancer syndrome. Last evaluated: 2026-01-17. Review status: criteria provided, single submitter. Criteria: Invitae Variant Classification Sherloc (09022015). Collection method: clinical testing. Allele origin: germline.
Comment: This sequence change replaces arginine, which is basic and polar, with tryptophan, which is neutral and slightly polar, at codon 17 of the POLD1 protein (p.Arg17Trp). This variant is present in population databases (rs570461545, gnomAD 0.01%). This missense change has been observed in individual(s) with breast cancer (PMID: 30093976). ClinVar contains an entry for this variant (Variation ID: 408109). Experimental studies and prediction algorithms are not available or were not evaluated, and the functional significance of this variant is currently unknown. RNA analysis performed to evaluate the impact of this missense change on mRNA splicing indicates it does not significantly alter splicing (internal data). In summary, the available evidence is currently insufficient to determine the role of this variant in disease. Therefore, it has been classified as a Variant of Uncertain Significance.

GeneDx
Classification: Uncertain significance. Last evaluated: 2025-08-14. Review status: criteria provided, single submitter. Criteria: GeneDx Variant Classification Process June 2021. Collection method: clinical testing. Allele origin: germline. Affected: yes.
Comment: In silico analysis supports that this missense variant has a deleterious effect on protein structure/function; Observed in an individual with breast cancer (PMID: 30093976); This variant is associated with the following publications: (PMID: 30093976)

Ambry Genetics
Classification: Likely benign for Hereditary cancer-predisposing syndrome. Last evaluated: 2024-11-08. Review status: criteria provided, single submitter. Criteria: Ambry Variant Classification Scheme 2023. Collection method: clinical testing. Allele origin: germline.

Quest Diagnostics Nichols Institute San Juan Capistrano
Classification: Uncertain significance. Last evaluated: 2018-10-05. Review status: criteria provided, single submitter. Criteria: Quest Diagnostics criteria. Collection method: clinical testing. Allele origin: germline.

PreventionGenetics, part of Exact Sciences
Classification: Uncertain significance. Last evaluated: 2017-09-14. Review status: criteria provided, single submitter. Criteria: ACMG Guidelines, 2015. Collection method: clinical testing. Allele origin: germline.

Literature cited by the submitters: PubMed 30093976 (cited by Labcorp Genetics (formerly Invitae), Labcorp).